The following is an entry in ClinVar:

NM_001042413.2(GLIS3):c.2704C>T (p.Arg902Cys)

Gene: GLIS3 (GLIS family zinc finger 3; minus strand). Cytogenetic location: 9p24.2.
Variant type: single nucleotide variant.
Coding change: c.2704C>T on transcript NM_001042413.2 (MANE Select); coding-DNA position 2704, C replaced by T.
Protein change: p.Arg902Cys; replaces arginine 902 with cysteine.
Molecular consequence: missense variant.
Genome position (GRCh38, 1-based): chr9:3,828,361, G>A on the plus strand (C>T on the coding strand, the complement: GLIS3 is on the minus strand). VCF-style: chr9-3828361-G-A. GRCh37 (hg19) VCF-style: chr9-3828361-G-A.
Other names: c.2704C>T (NM_001042413.1); c.2239C>T, p.Arg747Cys (NM_152629.4); short protein forms R747C, R902C.
Identifiers: ClinVar variation 917441 (VCV000917441.5), dbSNP rs1407324725, ClinGen allele CA372804088.

ClinVar aggregate classification (germline): Uncertain significance. Review status: criteria provided, multiple submitters, no conflicts (2 of 4 stars). 3 submissions from 3 submitters: Uncertain significance (3). Last evaluated 2026-03-31.

Conditions:
Monogenic diabetes. Identifiers: Orphanet 183625, MedGen C3888631, MONDO:0015967.
GLIS3-related disorder. Also called: GLIS3-related condition.

Allele frequency attached by ClinVar (database versions not stated): TOPMed 0.00001; gnomAD exomes 0.00002.
gnomAD v4.1: 25 of 1,613,846 alleles (0.0015%); highest among the groups gnomAD compares: African/African-American, 0.015%; no homozygotes.

Submissions (3):

PreventionGenetics, part of Exact Sciences
Classification: Uncertain significance for GLIS3-related condition. Last evaluated: 2026-03-31. Review status: criteria provided, single submitter. Criteria: ACMG Guidelines, 2015. Collection method: clinical testing. Allele origin: germline.
Comment: The GLIS3 c.2704C>T variant is predicted to result in the amino acid substitution p.Arg902Cys. To our knowledge, this variant has not been reported in the literature. This variant is reported in 0.0058% of alleles in individuals of Latino descent in gnomAD. At this time, the clinical significance of this variant is uncertain due to the absence of conclusive functional and genetic evidence.

Labcorp Genetics (formerly Invitae), Labcorp
Classification: Uncertain significance. Last evaluated: 2024-06-29. Review status: criteria provided, single submitter. Criteria: Invitae Variant Classification Sherloc (09022015). Collection method: clinical testing. Allele origin: germline.
Comment: This sequence change replaces arginine, which is basic and polar, with cysteine, which is neutral and slightly polar, at codon 747 of the GLIS3 protein (p.Arg747Cys). This variant is present in population databases (no rsID available, gnomAD 0.006%). This variant has not been reported in the literature in individuals affected with GLIS3-related conditions. ClinVar contains an entry for this variant (Variation ID: 917441). An algorithm developed to predict the effect of missense changes on protein structure and function (PolyPhen-2) suggests that this variant is likely to be disruptive. In summary, the available evidence is currently insufficient to determine the role of this variant in disease. Therefore, it has been classified as a Variant of Uncertain Significance.

Personalized Diabetes Medicine Program, University of Maryland School of Medicine
Classification: Uncertain significance for Monogenic diabetes. Last evaluated: 2019-02-08. Review status: criteria provided, single submitter. Criteria: ACMG Guidelines, 2015. Collection method: research. Allele origin: unknown. Observed: 1 variant allele, 1 heterozygote.
Comment: ACMG criteria: BP4 (REVEL 0.043 +7 predictors), PM2 = VUS